The following is an entry in ClinVar:

ClinVar aggregate classification (germline): Benign. Review status: criteria provided, multiple submitters, no conflicts (2 of 4 stars). 5 submissions from 5 submitters: Benign (4). 1 of the submissions does not count toward it. Last evaluated 2026-01-28.

Conditions:
GFER-related disorder. Also called: GFER-related condition.

Allele frequency attached by ClinVar (database versions not stated): ExAC 0.00022; gnomAD exomes 0.00053 and 0.00067; gnomAD 0.00594 and 0.00642; TOPMed 0.00681; 1000 Genomes Project 30x 0.00812; 1000 Genomes Project 0.00819.

Submissions (5):

Labcorp Genetics (formerly Invitae), Labcorp
Classification: Benign. Last evaluated: 2026-01-28. Review status: criteria provided, single submitter. Criteria: Invitae Variant Classification Sherloc (09022015). Collection method: clinical testing. Allele origin: germline.

Mayo Clinic Laboratories, Mayo Clinic
Classification: Benign. Last evaluated: 2022-07-13. Review status: criteria provided, single submitter. Criteria: ACMG Guidelines, 2015. Collection method: clinical testing. Allele origin: germline. Observed: 4 variant alleles.
Comment: BA1, BP4, BP7

GeneDx
Classification: Benign. Last evaluated: 2014-06-09. Review status: criteria provided, single submitter. Criteria: GeneDx Variant Classification (06012015). Collection method: clinical testing. Allele origin: germline. Affected: yes.
Comment: This variant is considered likely benign or benign based on one or more of the following criteria: it is a conservative change, it occurs at a poorly conserved position in the protein, it is predicted to be benign by multiple in silico algorithms, and/or has population frequency not consistent with disease.

Breakthrough Genomics
Classification: Benign. Review status: criteria provided, single submitter. Criteria: ACMG Guidelines, 2015. Collection method: not provided. Allele origin: germline. Inheritance: Autosomal recessive inheritance. Affected: yes.

PreventionGenetics, part of Exact Sciences
Classification: Benign for GFER-related condition. Last evaluated: 2024-07-15. Review status: no assertion criteria provided. Collection method: clinical testing. Allele origin: germline. Not counted in ClinVar's aggregate classification.
Comment: This variant is classified as benign based on ACMG/AMP sequence variant interpretation guidelines (Richards et al. 2015 PMID: 25741868, with internal and published modifications).

NM_005262.3(GFER):c.57G>C (p.Pro19=)

Genes: GFER (growth factor, augmenter of liver regeneration; plus strand), LOC130058203 (ATAC-STARR-seq lymphoblastoid silent region 7014; plus strand). Cytogenetic location: 16p13.3.
Variant type: single nucleotide variant.
Coding change: c.57G>C on transcript NM_005262.3 (MANE Select); coding-DNA position 57, G replaced by C.
Protein change: p.Pro19=; no amino-acid change (proline 19 retained).
Molecular consequence: synonymous variant.
Genome position (GRCh38, 1-based): chr16:1,984,275, G>C. VCF-style: chr16-1984275-G-C. GRCh37 (hg19) VCF-style: chr16-2034276-G-C.
Other names: p.P19P:CCG>CCC; p.Pro19=.
Identifiers: ClinVar variation 214469 (VCV000214469.14), dbSNP rs535377905, ClinGen allele CA320464.